The following is an entry in ClinVar:

NM_138694.4(PKHD1):c.1060del (p.Ile354fs)

Gene: PKHD1 (PKHD1 ciliary IPT domain containing fibrocystin/polyductin; minus strand). Cytogenetic location: 6p12.2.
Variant type: Deletion.
Coding change: c.1060del on transcript NM_138694.4 (MANE Select); coding-DNA position 1060, one base deleted (A; older notation c.1060delA).
Protein change: p.Ile354fs; shifts the reading frame from isoleucine 354.
Molecular consequence: frameshift variant.
Genome position (GRCh38, 1-based): chr6:52,062,577, T deleted on the plus strand (A on the coding strand, the reverse complement: PKHD1 is on the minus strand). VCF-style (leftmost placement, unchanged base first): chr6-52062576-AT-A. GRCh37 (hg19) VCF-style: chr6-51927374-AT-A.
Other names: c.1060del, p.Ile354fs (NM_170724.3); short protein forms I354fs.
Identifiers: ClinVar variation 4884255 (VCV004884255.2).

ClinVar aggregate classification (germline): Likely pathogenic (1 of 4 stars; one submission).

Submission:

Dasa
Classification: Likely pathogenic. Last evaluated: 2026-03-31. Review status: criteria provided, single submitter. Criteria: DASA Assertion Criteria. Collection method: clinical testing. Allele origin: germline.
Comment: NM_138694.4(PKHD1):c.1060del (p.Ile354Leufs*59) is a frameshift variant in PKHD1 predicted to alter the reading frame and introduce a premature termination codon and is predicted to result in an absent or altered protein product. Loss of function is an established disease mechanism for PKHD1-associated disorders. Also, this variant is rare in population databases. Based on the currently available evidence, this variant is classified as likely pathogenic.